The following is an entry in ClinVar:

ClinVar aggregate classification (germline): Uncertain significance (1 of 4 stars; one submission).

Submission:

Labcorp Genetics (formerly Invitae), Labcorp
Classification: Uncertain significance. Last evaluated: 2024-08-08. Review status: criteria provided, single submitter. Criteria: Invitae Variant Classification Sherloc (09022015). Collection method: clinical testing. Allele origin: germline.
Comment: This sequence change replaces serine, which is neutral and polar, with phenylalanine, which is neutral and non-polar, at codon 477 of the DTHD1 protein (p.Ser477Phe). This variant is not present in population databases (gnomAD no frequency). This variant has not been reported in the literature in individuals affected with DTHD1-related conditions. An algorithm developed to predict the effect of missense changes on protein structure and function (PolyPhen-2) suggests that this variant is likely to be tolerated. In summary, the available evidence is currently insufficient to determine the role of this variant in disease. Therefore, it has been classified as a Variant of Uncertain Significance.

NM_001170700.3(DTHD1):c.2300C>T (p.Ser767Phe)

Gene: DTHD1 (death domain containing 1; plus strand). Cytogenetic location: 4p14.
Variant type: single nucleotide variant.
Coding change: c.2300C>T on transcript NM_001170700.3 (MANE Select); coding-DNA position 2300, C replaced by T.
Protein change: p.Ser767Phe; replaces serine 767 with phenylalanine.
Molecular consequence: missense variant. On other transcripts: non-coding transcript variant (2).
Genome position (GRCh38, 1-based): chr4:36,316,446, C>T. VCF-style: chr4-36316446-C-T. GRCh37 (hg19) VCF-style: chr4-36318068-C-T.
Other names: c.1430C>T, p.Ser477Phe (NM_001136536.5); c.1367C>T, p.Ser456Phe (NM_001378435.1); short protein forms S456F, S477F, S767F.
Identifiers: ClinVar variation 3685524 (VCV003685524.2).